The following is an entry in ClinVar:

ClinVar aggregate classification (germline): Uncertain significance. Review status: criteria provided, multiple submitters, no conflicts (2 of 4 stars). 2 submissions from 2 submitters: Uncertain significance (2). Last evaluated 2021-03-09.

Conditions:
Hereditary cancer-predisposing syndrome. Also called: Neoplastic Syndromes, Hereditary; Tumor predisposition; Hereditary Cancer Syndrome; Hereditary neoplastic syndrome. Identifiers: Orphanet 140162, MedGen C0027672, MeSH D009386, MONDO:0015356.
Breast-ovarian cancer, familial, susceptibility to, 4. Identifiers: Orphanet 145, MedGen C3280345, MONDO:0013669, OMIM 614291.

Submissions (2):

Labcorp Genetics (formerly Invitae), Labcorp
Classification: Uncertain significance for Breast-ovarian cancer, familial, susceptibility to, 4. Last evaluated: 2021-03-09. Review status: criteria provided, single submitter. Criteria: Invitae Variant Classification Sherloc (09022015). Collection method: clinical testing. Allele origin: germline.
Comment: This sequence change replaces glycine with glutamic acid at codon 258 of the RAD51D protein (p.Gly258Glu). The glycine residue is moderately conserved and there is a moderate physicochemical difference between glycine and glutamic acid. This variant is not present in population databases (ExAC no frequency). This variant has not been reported in the literature in individuals with RAD51D-related conditions. ClinVar contains an entry for this variant (Variation ID: 484780). Algorithms developed to predict the effect of missense changes on protein structure and function are either unavailable or do not agree on the potential impact of this missense change (SIFT: "Tolerated"; PolyPhen-2: "Probably Damaging"; Align-GVGD: "Class C0"). In summary, the available evidence is currently insufficient to determine the role of this variant in disease. Therefore, it has been classified as a Variant of Uncertain Significance.

Ambry Genetics
Classification: Uncertain significance for Hereditary cancer-predisposing syndrome. Last evaluated: 2017-03-31. Review status: criteria provided, single submitter. Criteria: Ambry Variant Classification Scheme 2023. Collection method: clinical testing. Allele origin: germline.
Comment: The p.G258E variant (also known as c.773G>A), located in coding exon 9 of the RAD51D gene, results from a G to A substitution at nucleotide position 773. The glycine at codon 258 is replaced by glutamic acid, an amino acid with similar properties. This amino acid position is well conserved in available vertebrate species. In addition, this alteration is predicted to be probably damaging and deleterious by PolyPhen and SIFT in silico Since supporting evidence is limited at this time, the clinical significance of this alteration remains unclear.analyses, respectively.

NM_002878.4(RAD51D):c.773G>A (p.Gly258Glu)

Genes: RAD51D (RAD51 paralog D; minus strand), RAD51L3-RFFL (RAD51L3-RFFL readthrough; minus strand). Cytogenetic location: 17q12.
Variant type: single nucleotide variant.
Coding change: c.773G>A on transcript NM_002878.4 (MANE Select); coding-DNA position 773, G replaced by A.
Protein change: p.Gly258Glu; replaces glycine 258 with glutamic acid.
Molecular consequence: missense variant. On other transcripts: non-coding transcript variant (3).
Genome position (GRCh38, 1-based): chr17:35,101,331, C>T on the plus strand (G>A on the coding strand, the complement: RAD51D is on the minus strand). VCF-style: chr17-35101331-C-T. GRCh37 (hg19) VCF-style: chr17-33428350-C-T.
Other names: c.833G>A, p.Gly278Glu (NM_001142571.2); c.437G>A, p.Gly146Glu (NM_133629.3); short protein forms G258E, G146E, G278E.
Identifiers: ClinVar variation 484780 (VCV000484780.13), dbSNP rs777103576, ClinGen allele CA399086900.